The following is an entry in ClinVar:

NM_000489.6(ATRX):c.5295C>T (p.Ile1765=)

Gene: ATRX (ATRX chromatin remodeler; minus strand). Cytogenetic location: Xq21.1.
Variant type: single nucleotide variant.
Coding change: c.5295C>T on transcript NM_000489.6 (MANE Select); coding-DNA position 5295, C replaced by T.
Protein change: p.Ile1765=; no amino-acid change (isoleucine 1765 retained).
Molecular consequence: synonymous variant.
Genome position (GRCh38, 1-based): chrX:77,618,959, G>A on the plus strand (C>T on the coding strand, the complement: ATRX is on the minus strand). VCF-style: chrX-77618959-G-A. GRCh37 (hg19) VCF-style: chrX-76874427-G-A.
Other names: c.5181C>T, p.Ile1727= (NM_138270.5).
Identifiers: ClinVar variation 3642357 (VCV003642357.2).

ClinVar aggregate classification (germline): Uncertain significance (1 of 4 stars; one submission).

Conditions:
Alpha thalassemia-X-linked intellectual disability syndrome (ATRX). Also called: ALPHA-THALASSEMIA/MENTAL RETARDATION SYNDROME, X-LINKED; ATR, NONDELETION TYPE; ATR-X syndrome; Alpha thalassemia mental retardation syndrome, nondeletion type, X-linked; XLMR hypotonic face syndrome; X-linked alpha-thalassemia-mental retardation syndrome. Identifiers: Orphanet 847, MedGen C1845055, MONDO:0010519, OMIM 301040.

Submission:

Labcorp Genetics (formerly Invitae), Labcorp
Classification: Uncertain significance for Alpha thalassemia-X-linked intellectual disability syndrome. Last evaluated: 2024-02-21. Review status: criteria provided, single submitter. Criteria: Invitae Variant Classification Sherloc (09022015). Collection method: clinical testing. Allele origin: germline.
Comment: This sequence change affects codon 1765 of the ATRX mRNA. It is a 'silent' change, meaning that it does not change the encoded amino acid sequence of the ATRX protein. This variant is not present in population databases (gnomAD no frequency). This variant has not been reported in the literature in individuals affected with ATRX-related conditions. Algorithms developed to predict the effect of sequence changes on RNA splicing suggest that this variant may disrupt the consensus splice site. In summary, the available evidence is currently insufficient to determine the role of this variant in disease. Therefore, it has been classified as a Variant of Uncertain Significance.